The following is an entry in ClinVar:

NM_024642.5(GALNT12):c.1440T>C (p.His480=)

Gene: GALNT12 (polypeptide N-acetylgalactosaminyltransferase 12; plus strand). Cytogenetic location: 9q22.33.
Variant type: single nucleotide variant.
Coding change: c.1440T>C on transcript NM_024642.5 (MANE Select); coding-DNA position 1440, T replaced by C.
Protein change: p.His480=; no amino-acid change (histidine 480 retained).
Molecular consequence: synonymous variant.
Genome position (GRCh38, 1-based): chr9:98,844,191, T>C. VCF-style: chr9-98844191-T-C. GRCh37 (hg19) VCF-style: chr9-101606473-T-C.
Identifiers: ClinVar variation 706726 (VCV000706726.12), dbSNP rs772369577, ClinGen allele CA5154268.

ClinVar aggregate classification (germline): Benign/Likely benign. Review status: criteria provided, multiple submitters, no conflicts (2 of 4 stars). 3 submissions from 3 submitters: Benign (1); Likely benign (2). Last evaluated 2026-04-27.

Conditions:
Colorectal cancer, susceptibility to, 1. Also called: COLORECTAL ADENOMA AND CANCER, SUSCEPTIBILITY TO; COLORECTAL CANCER, SUSCEPTIBILITY TO, ON CHROMOSOME 9. Identifiers: MedGen C1837315, MONDO:0012132, OMIM 608812.

Allele frequency attached by ClinVar (database versions not stated): ExAC 0.00001.
gnomAD v4.1: 2 of 1,610,702 alleles (0.00012%); highest among the groups gnomAD compares: Non-Finnish European, 0.000085%; no homozygotes.

Submissions (3):

Myriad Genetics, Inc.
Classification: Benign for Colorectal cancer, susceptibility to, 1. Last evaluated: 2026-04-27. Review status: criteria provided, single submitter. Criteria: Myriad Autosomal Dominant, Autosomal Recessive and X-Linked Classification Criteria (2023). Collection method: clinical testing. Allele origin: unknown.
Comment: This variant is considered benign. This variant is a silent/synonymous amino acid change and it is not expected to impact splicing.

Ambry Genetics
Classification: Likely benign. Last evaluated: 2021-05-07. Review status: criteria provided, single submitter. Criteria: Ambry Variant Classification Scheme 2023. Collection method: clinical testing. Allele origin: germline.

Labcorp Genetics (formerly Invitae), Labcorp
Classification: Likely benign. Last evaluated: 2018-01-14. Review status: criteria provided, single submitter. Criteria: Invitae Variant Classification Sherloc (09022015). Collection method: clinical testing. Allele origin: germline.